The following is an entry in ClinVar:

NM_015404.4(WHRN):c.1928A>T (p.Gln643Leu)

Gene: WHRN (whirlin; minus strand). Cytogenetic location: 9q32.
Variant type: single nucleotide variant.
Coding change: c.1928A>T on transcript NM_015404.4 (MANE Select); coding-DNA position 1928, A replaced by T.
Protein change: p.Gln643Leu; replaces glutamine 643 with leucine.
Molecular consequence: missense variant.
Genome position (GRCh38, 1-based): chr9:114,406,663, T>A on the plus strand (A>T on the coding strand, the complement: WHRN is on the minus strand). VCF-style: chr9-114406663-T-A. GRCh37 (hg19) VCF-style: chr9-117168943-T-A.
Other names: c.779A>T, p.Gln260Leu (NM_001083885.3); c.1928A>T, p.Gln643Leu (NM_001173425.2); c.875A>T, p.Gln292Leu (NM_001346890.1); short protein forms Q643L, Q260L, Q292L.
Identifiers: ClinVar variation 2747432 (VCV002747432.3), dbSNP rs1365577806, ClinGen allele CA374620639.
Genomic context (GRCh38, chr9:114,406,663, plus strand): 5'-CTCTTGGAGCTGGGGTTGGCAGGGGAGACGGAGGCATAGATGGGGGAAGAGGGCAAGTCC[T>A]GTGCAGAGGAGGTCCCTGGGGTGGGTGCGGTGCCCGCTGGCGGGCTGCGGTTCTGTGGAG-3'
Protein context (NP_056219.3, residues 633-653): TAPTPGTSSA[Gln643Leu]DLPSSPIYAS

ClinVar aggregate classification (germline): Uncertain significance (1 of 4 stars; one submission).

Submission:

Labcorp Genetics (formerly Invitae), Labcorp
Classification: Uncertain significance. Last evaluated: 2023-09-07. Review status: criteria provided, single submitter. Criteria: Invitae Variant Classification Sherloc (09022015). Collection method: clinical testing. Allele origin: germline.
Comment: This variant is not present in population databases (gnomAD no frequency). This sequence change replaces glutamine, which is neutral and polar, with leucine, which is neutral and non-polar, at codon 643 of the WHRN protein (p.Gln643Leu). This variant has not been reported in the literature in individuals affected with WHRN-related conditions. In summary, the available evidence is currently insufficient to determine the role of this variant in disease. Therefore, it has been classified as a Variant of Uncertain Significance. An algorithm developed to predict the effect of missense changes on protein structure and function (PolyPhen-2) suggests that this variant is likely to be tolerated.